The following is an entry in ClinVar:

ClinVar aggregate classification (germline): Uncertain significance (1 of 4 stars; one submission).

gnomAD v4.1: 1 of 1,205,066 alleles (0.000083%); no homozygotes.

Submission:

GeneDx
Classification: Uncertain significance. Last evaluated: 2022-01-21. Review status: criteria provided, single submitter. Criteria: GeneDx Variant Classification Process June 2021. Collection method: clinical testing. Allele origin: germline. Affected: yes.
Comment: Not observed at significant frequency in large population cohorts (gnomAD); In silico analysis supports that this missense variant does not alter protein structure/function; Has not been previously published as pathogenic or benign to our knowledge

NM_031407.7(HUWE1):c.94G>C (p.Glu32Gln)

Gene: HUWE1 (HECT, UBA and WWE domain containing E3 ubiquitin protein ligase 1; minus strand). Cytogenetic location: Xp11.22.
Variant type: single nucleotide variant.
Coding change: c.94G>C on transcript NM_031407.7 (MANE Select); coding-DNA position 94, G replaced by C.
Protein change: p.Glu32Gln; replaces glutamic acid 32 with glutamine.
Molecular consequence: missense variant.
Genome position (GRCh38, 1-based): chrX:53,648,262, C>G on the plus strand (G>C on the coding strand, the complement: HUWE1 is on the minus strand). VCF-style: chrX-53648262-C-G. GRCh37 (hg19) VCF-style: chrX-53675205-C-G.
Other names: short protein forms E32Q.
Identifiers: ClinVar variation 1698324 (VCV001698324.2), dbSNP rs2149288070, ClinGen allele CA413168027.
Genomic context (GRCh38, chrX:53,648,262, plus strand): 5'-CTTCACATACCTTTCCAATGTTCCATGTTTTGATCTGCTGCAGTTCCAAGAGAAGTTGCT[C>G]ATCATTACAAACTTTGAGTTTGTCTATTAAGGCTCTGCAGTCTGCAGGCTGAGAAAAGAA-3'
Protein context (NP_113584.3, residues 22-42): LIDKLKVCND[Glu32Gln]QLLLELQQIK